The following is an entry in ClinVar:

NM_003906.5(MCM3AP):c.353T>C (p.Val118Ala)

Gene: MCM3AP (minichromosome maintenance complex component 3 associated protein; minus strand). Cytogenetic location: 21q22.3.
Variant type: single nucleotide variant.
Coding change: c.353T>C on transcript NM_003906.5 (MANE Select); coding-DNA position 353, T replaced by C.
Protein change: p.Val118Ala; replaces valine 118 with alanine.
Molecular consequence: missense variant.
Genome position (GRCh38, 1-based): chr21:46,284,934, A>G on the plus strand (T>C on the coding strand, the complement: MCM3AP is on the minus strand). VCF-style: chr21-46284934-A-G. GRCh37 (hg19) VCF-style: chr21-47704848-A-G.
Other names: c.353T>C (NM_003906.3, NM_003906.4); short protein forms V118A.
Identifiers: ClinVar variation 1402987 (VCV001402987.7), dbSNP rs148351300, ClinGen allele CA10077364.
Genomic context (GRCh38, chr21:46,284,934, plus strand): 5'-CCAGAGTTCACTATTTCTCCAGCTTCTTGTCCAAAAGCAGAAGTGCTTGGGAAAGCCCCA[A>G]CACTGGTGGGTGATTTAAAACTAAATCCTGTGTTTCCCAGCACAGATGAACTTGAAGGCC-3'
Protein context (NP_003897.2, residues 108-128): TGFSFKSPTS[Val118Ala]GAFPSTSAFG

ClinVar aggregate classification (germline): Conflicting classifications of pathogenicity. Review status: criteria provided, conflicting classifications (1 of 4 stars). 4 submissions from 4 submitters: Uncertain significance (3); Likely benign (1). Last evaluated 2024-01-17.

Conditions:
Inborn genetic diseases. Identifiers: MedGen C0950123, MeSH D030342.

Allele frequency attached by ClinVar (database versions not stated): gnomAD exomes 0.00004 and 0.00015; 1000 Genomes Project 30x 0.00016; ExAC 0.00019; 1000 Genomes Project 0.00020; gnomAD 0.00049 and 0.00057; TOPMed 0.00051; ESP Exome Variant Server 0.00077.
gnomAD v4.1: 131 of 1,614,154 alleles (0.0081%); highest among the groups gnomAD compares: African/African-American, 0.17%; no homozygotes.

Submissions (4):

Labcorp Genetics (formerly Invitae), Labcorp
Classification: Uncertain significance. Last evaluated: 2024-01-17. Review status: criteria provided, single submitter. Criteria: Invitae Variant Classification Sherloc (09022015). Collection method: clinical testing. Allele origin: germline.
Comment: This sequence change replaces valine, which is neutral and non-polar, with alanine, which is neutral and non-polar, at codon 118 of the MCM3AP protein (p.Val118Ala). This variant is present in population databases (rs148351300, gnomAD 0.2%). This variant has not been reported in the literature in individuals affected with MCM3AP-related conditions. ClinVar contains an entry for this variant (Variation ID: 1402987). An algorithm developed to predict the effect of missense changes on protein structure and function (PolyPhen-2) suggests that this variant¬†is likely to be tolerated. In summary, the available evidence is currently insufficient to determine the role of this variant in disease. Therefore, it has been classified as a Variant of Uncertain Significance.

GeneDx
Classification: Uncertain significance. Last evaluated: 2023-06-14. Review status: criteria provided, single submitter. Criteria: GeneDx Variant Classification Process June 2021. Collection method: clinical testing. Allele origin: germline. Affected: yes.
Comment: In silico analysis supports that this missense variant does not alter protein structure/function; Has not been previously published as pathogenic or benign to our knowledge

Ambry Genetics
Classification: Likely benign for Inborn genetic diseases. Last evaluated: 2023-04-26. Review status: criteria provided, single submitter. Criteria: Ambry Variant Classification Scheme 2023. Collection method: clinical testing. Allele origin: germline.

Breakthrough Genomics
Classification: Uncertain significance. Review status: criteria provided, single submitter. Criteria: ACMG Guidelines, 2015. Collection method: not provided. Allele origin: germline. Inheritance: Autosomal dominant inheritance. Affected: yes.